The following is an entry in ClinVar:

ClinVar aggregate classification (germline): Uncertain significance (1 of 4 stars; one submission).

Conditions:
Alstrom syndrome (ALMS). Identifiers: Orphanet 64, MedGen C0268425, MONDO:0008763, OMIM 203800.

gnomAD v4.1: 8 of 1,612,562 alleles (0.0005%); highest among the groups gnomAD compares: Non-Finnish European, 0.00059%; no homozygotes.

Submission:

Labcorp Genetics (formerly Invitae), Labcorp
Classification: Uncertain significance for Alstrom syndrome. Last evaluated: 2021-08-03. Review status: criteria provided, single submitter. Criteria: Invitae Variant Classification Sherloc (09022015). Collection method: clinical testing. Allele origin: germline.
Comment: This sequence change replaces arginine with tryptophan at codon 3779 of the ALMS1 protein (p.Arg3779Trp). The arginine residue is moderately conserved and there is a moderate physicochemical difference between arginine and tryptophan. This variant is not present in population databases (ExAC no frequency). This variant has not been reported in the literature in individuals affected with ALMS1-related conditions. Experimental studies and prediction algorithms are not available or were not evaluated, and the functional significance of this variant is currently unknown. In summary, the available evidence is currently insufficient to determine the role of this variant in disease. Therefore, it has been classified as a Variant of Uncertain Significance.

NM_001378454.1(ALMS1):c.11332A>T (p.Arg3778Trp)

Gene: ALMS1 (ALMS1 centrosome and basal body associated protein; plus strand). Cytogenetic location: 2p13.1.
Variant type: single nucleotide variant.
Coding change: c.11332A>T on transcript NM_001378454.1 (MANE Select); coding-DNA position 11332, A replaced by T.
Protein change: p.Arg3778Trp; replaces arginine 3778 with tryptophan.
Molecular consequence: missense variant.
Genome position (GRCh38, 1-based): chr2:73,573,209, A>T. VCF-style: chr2-73573209-A-T. GRCh37 (hg19) VCF-style: chr2-73800336-A-T.
Other names: c.11335A>T, p.Arg3779Trp (NM_015120.4); short protein forms R3778W, R3779W.
Identifiers: ClinVar variation 1414550 (VCV001414550.5), dbSNP rs773130069, ClinGen allele CA347289108.